The following is an entry in ClinVar:

ClinVar aggregate classification (germline): Uncertain significance. Review status: criteria provided, multiple submitters, no conflicts (2 of 4 stars). 2 submissions from 2 submitters: Uncertain significance (2). Last evaluated 2025-09-24.

Conditions:
Hereditary cancer-predisposing syndrome. Also called: Hereditary Cancer Syndrome; Hereditary neoplastic syndrome; Neoplastic Syndromes, Hereditary; Tumor predisposition. Identifiers: Orphanet 140162, MedGen C0027672, MeSH D009386, MONDO:0015356.
Rhabdoid tumor predisposition syndrome 2 (RTPS2). Identifiers: Orphanet 231108, Orphanet 69077, MedGen C2750074, MONDO:0013224, OMIM 613325.

Allele frequency attached by ClinVar (database versions not stated): gnomAD exomes below 0.00001.
gnomAD v4.1: 1 of 1,612,588 alleles (0.000062%); highest among the groups gnomAD compares: Non-Finnish European, 0.000085%; no homozygotes.

Submissions (2):

Labcorp Genetics (formerly Invitae), Labcorp
Classification: Uncertain significance for Rhabdoid tumor predisposition syndrome 2. Last evaluated: 2025-09-24. Review status: criteria provided, single submitter. Criteria: Invitae Variant Classification Sherloc (09022015). Collection method: clinical testing. Allele origin: germline.
Comment: This sequence change replaces alanine, which is neutral and non-polar, with valine, which is neutral and non-polar, at codon 1451 of the SMARCA4 protein (p.Ala1451Val). The frequency data for this variant in the population databases is considered unreliable, as metrics indicate poor data quality at this position in the gnomAD database. This variant has not been reported in the literature in individuals affected with SMARCA4-related conditions. ClinVar contains an entry for this variant (Variation ID: 1450808). Invitae Evidence Modeling of protein sequence and biophysical properties (such as structural, functional, and spatial information, amino acid conservation, physicochemical variation, residue mobility, and thermodynamic stability) indicates that this missense variant is not expected to disrupt SMARCA4 protein function with a negative predictive value of 95%. In summary, the available evidence is currently insufficient to determine the role of this variant in disease. Therefore, it has been classified as a Variant of Uncertain Significance.

Ambry Genetics
Classification: Uncertain significance for Hereditary cancer-predisposing syndrome. Last evaluated: 2024-04-23. Review status: criteria provided, single submitter. Criteria: Ambry Variant Classification Scheme 2023. Collection method: clinical testing. Allele origin: germline.
Comment: The p.A1451V variant (also known as c.4352C>T), located in coding exon 30 of the SMARCA4 gene, results from a C to T substitution at nucleotide position 4352. The alanine at codon 1451 is replaced by valine, an amino acid with similar properties. This amino acid position is not well conserved in available vertebrate species. In addition, this alteration is predicted to be tolerated by in silico analysis. Based on the available evidence, the clinical significance of this variant remains unclear.

NM_003072.5(SMARCA4):c.4256C>T (p.Ala1419Val)

Gene: SMARCA4 (SWI/SNF related BAF chromatin remodeling complex subunit ATPase 4; plus strand). Cytogenetic location: 19p13.2.
Variant type: single nucleotide variant.
Coding change: c.4256C>T on transcript NM_003072.5 (MANE Select); coding-DNA position 4256, C replaced by T.
Protein change: p.Ala1419Val; replaces alanine 1419 with valine.
Molecular consequence: missense variant. On other transcripts: non-coding transcript variant (1).
Genome position (GRCh38, 1-based): chr19:11,041,392, C>T. VCF-style: chr19-11041392-C-T. GRCh37 (hg19) VCF-style: chr19-11152068-C-T.
Other names: c.4256C>T, p.Ala1419Val (NM_001128844.3); c.4166C>T, p.Ala1389Val (NM_001128845.2, NM_001128846.2); c.4157C>T, p.Ala1386Val (NM_001128847.4, NM_001128848.2, NM_001374457.1); c.4352C>T, p.Ala1451Val (NM_001128849.3, NM_001387283.1); short protein forms A1389V, A1419V, A1386V, A1451V.
Identifiers: ClinVar variation 1450808 (VCV001450808.9), dbSNP rs1413620647, ClinGen allele CA404073291.